The following is an entry in ClinVar:

NC_000005.10:g.13769609ATTC[1]

Gene: DNAH5 (dynein axonemal heavy chain 5; minus strand). Cytogenetic location: 5p15.2.
Variant type: Microsatellite.
Genome position: GRCh38 VCF-style: chr5-13769608-TATTC-T. GRCh37 (hg19) VCF-style: chr5-13769717-TATTC-T.
Identifiers: ClinVar variation 656460 (VCV000656460.8), dbSNP rs1580143916, ClinGen allele CA915943321.

ClinVar aggregate classification (germline): Pathogenic (1 of 4 stars; one submission).

Conditions:
Primary ciliary dyskinesia. Also called: Ciliary dyskinesia. Identifiers: Orphanet 244, MedGen C0008780, MONDO:0016575, HP:0012265.

Submission:

Labcorp Genetics (formerly Invitae), Labcorp
Classification: Pathogenic for Primary ciliary dyskinesia. Last evaluated: 2021-03-08. Review status: criteria provided, single submitter. Criteria: Invitae Variant Classification Sherloc (09022015). Collection method: clinical testing. Allele origin: germline.
Comment: For these reasons, this variant has been classified as Pathogenic. Loss-of-function variants in DNAH5 are known to be pathogenic (PMID: 11788826, 16627867). This variant has not been reported in the literature in individuals with DNAH5-related disease. ClinVar contains an entry for this variant (Variation ID: 656460). This variant is not present in population databases (ExAC no frequency). This sequence change creates a premature translational stop signal (p.Met3203Ilefs*17) in the DNAH5 gene. It is expected to result in an absent or disrupted protein product.

Literature cited by the submitters: PubMed 11788826; PubMed 16627867.